The following is an entry in ClinVar:

ClinVar aggregate classification (germline): Uncertain significance. Review status: criteria provided, single submitter (1 of 4 stars). 2 submissions from 2 submitters: Uncertain significance (1). 1 of the submissions does not count toward it. Last evaluated 2024-03-28.

Conditions:
IGF1R-related disorder. Also called: IGF1R-related condition.

Allele frequency attached by ClinVar (database versions not stated): gnomAD exomes below 0.00001; TOPMed below 0.00001; gnomAD 0.00001.
gnomAD v4.1: 7 of 1,496,984 alleles (0.00047%); highest among the groups gnomAD compares: South Asian, 0.0011%; no homozygotes.

Submissions (2):

Women's Health and Genetics/Laboratory Corporation of America, LabCorp
Classification: Uncertain significance. Last evaluated: 2024-03-28. Review status: criteria provided, single submitter. Criteria: LabCorp Variant Classification Summary - May 2015. Collection method: clinical testing. Allele origin: germline.
Comment: Variant summary: IGF1R c.-4A>G is located in the untranslated mRNA region upstream of the initiation codon. The variant was absent in 238618 control chromosomes. The available data on variant occurrences in the general population are insufficient to allow any conclusion about variant significance. To our knowledge, no occurrence of c.-4A>G in individuals affected with Growth Delay Due To Insulin-Like Growth Factor I Resistance and no experimental evidence demonstrating its impact on protein function have been reported. ClinVar contains an entry for this variant (Variation ID: 1683267). Based on the evidence outlined above, the variant was classified as uncertain significance.

PreventionGenetics, part of Exact Sciences
Classification: Uncertain significance for IGF1R-related condition. Last evaluated: 2024-01-11. Review status: no assertion criteria provided. Collection method: clinical testing. Allele origin: germline. Not counted in ClinVar's aggregate classification.
Comment: The IGF1R c.-4A>G variant is located in the 5' untranslated region. To our knowledge, this variant has not been reported in the literature or in a large population database, indicating this variant is rare. At this time, the clinical significance of this variant is uncertain due to the absence of conclusive functional and genetic evidence.

NM_000875.5(IGF1R):c.-4A>G

Genes: IGF1R (insulin like growth factor 1 receptor; plus strand), IRAIN (IGF1R antisense imprinted non-protein coding RNA; minus strand). Cytogenetic location: 15q26.3.
Variant type: single nucleotide variant.
Coding change: c.-4A>G on transcript NM_000875.5 (MANE Select); 4 bases upstream of the start codon, A replaced by G.
Molecular consequence: 5 prime UTR variant. On other transcripts: non-coding transcript variant (1).
Genome position (GRCh38, 1-based): chr15:98,649,578, A>G. VCF-style: chr15-98649578-A-G. GRCh37 (hg19) VCF-style: chr15-99192807-A-G.
Other names: c.-4A>G (NM_001291858.2).
Identifiers: ClinVar variation 1683267 (VCV001683267.7), dbSNP rs2052295004, ClinGen allele CA973317912.